The following is an entry in ClinVar:

NM_001330260.2(SCN8A):c.898T>C (p.Phe300Leu)

Gene: SCN8A (sodium voltage-gated channel alpha subunit 8; plus strand). Cytogenetic location: 12q13.13.
Variant type: single nucleotide variant.
Coding change: c.898T>C on transcript NM_001330260.2 (MANE Select); coding-DNA position 898, T replaced by C.
Protein change: p.Phe300Leu; replaces phenylalanine 300 with leucine.
Molecular consequence: missense variant.
Genome position (GRCh38, 1-based): chr12:51,699,761, T>C. VCF-style: chr12-51699761-T-C. GRCh37 (hg19) VCF-style: chr12-52093545-T-C.
Other names: c.898T>C, p.Phe300Leu (NM_001177984.3, NM_001369788.1, NM_014191.4); c.898T>C (NM_014191.3); short protein forms F300L.
Identifiers: ClinVar variation 2083146 (VCV002083146.5), dbSNP rs2540173139, ClinGen allele CA385226776.

ClinVar aggregate classification (germline): Uncertain significance. Review status: criteria provided, multiple submitters, no conflicts (2 of 4 stars). 2 submissions from 2 submitters: Uncertain significance (2). Last evaluated 2025-02-16.

Conditions:
Early-infantile DEE. Also called: Ohtahara syndrome; Early infantile epileptic encephalopathy with suppression bursts; Early infantile epileptic encephalopathy. Identifiers: Orphanet 1934, MedGen C0393706, MONDO:0800491.

Submissions (2):

GeneDx
Classification: Uncertain significance. Last evaluated: 2025-02-16. Review status: criteria provided, single submitter. Criteria: GeneDx Variant Classification Process June 2021. Collection method: clinical testing. Allele origin: germline. Affected: yes.
Comment: Not observed at significant frequency in large population cohorts (gnomAD); In silico analysis supports that this missense variant has a deleterious effect on protein structure/function; Has not been previously published as pathogenic or benign to our knowledge; This substitution is predicted to be within the extracellular loop between the S5 and S6 transmembrane segments of the first homologous domain

Labcorp Genetics (formerly Invitae), Labcorp
Classification: Uncertain significance for Early-infantile DEE. Last evaluated: 2022-07-19. Review status: criteria provided, single submitter. Criteria: Invitae Variant Classification Sherloc (09022015). Collection method: clinical testing. Allele origin: germline.
Comment: In summary, the available evidence is currently insufficient to determine the role of this variant in disease. Therefore, it has been classified as a Variant of Uncertain Significance. Algorithms developed to predict the effect of missense changes on protein structure and function are either unavailable or do not agree on the potential impact of this missense change (SIFT: "Deleterious"; PolyPhen-2: "Benign"; Align-GVGD: "Class C0"). This variant has not been reported in the literature in individuals affected with SCN8A-related conditions. This variant is not present in population databases (gnomAD no frequency). This sequence change replaces phenylalanine, which is neutral and non-polar, with leucine, which is neutral and non-polar, at codon 300 of the SCN8A protein (p.Phe300Leu).